The following is an entry in ClinVar:

NM_206933.4(USH2A):c.15499A>G (p.Met5167Val)

Gene: USH2A (usherin; minus strand). Cytogenetic location: 1q41.
Variant type: single nucleotide variant.
Coding change: c.15499A>G on transcript NM_206933.4 (MANE Select); coding-DNA position 15499, A replaced by G.
Protein change: p.Met5167Val; replaces methionine 5167 with valine.
Molecular consequence: missense variant.
Genome position (GRCh38, 1-based): chr1:215,628,834, T>C on the plus strand (A>G on the coding strand, the complement: USH2A is on the minus strand). VCF-style: chr1-215628834-T-C. GRCh37 (hg19) VCF-style: chr1-215802176-T-C.
Other names: short protein forms M5167V.
Identifiers: ClinVar variation 961793 (VCV000961793.12), dbSNP rs755573653, ClinGen allele CA1392667.

ClinVar aggregate classification (germline): Uncertain significance. Review status: criteria provided, multiple submitters, no conflicts (2 of 4 stars). 6 submissions from 5 submitters: Uncertain significance (5). 1 of the submissions does not count toward it. Last evaluated 2024-07-01.

Conditions:
Usher syndrome type 2A. Also called: RETINAL DISEASE IN USHER SYNDROME TYPE IIA, MODIFIER OF; USHER SYNDROME, TYPE IIA. Identifiers: Orphanet 231178, Orphanet 886, MedGen C1848634, MONDO:0010169, OMIM 276901.
Retinitis pigmentosa 39 (RP39). Identifiers: Orphanet 791, MedGen C3151138, MONDO:0013436, OMIM 613809.

Allele frequency attached by ClinVar (database versions not stated): gnomAD 0.00003; gnomAD exomes below 0.00001; ExAC 0.00001; TOPMed 0.00002.
gnomAD v4.1: 7 of 1,614,074 alleles (0.00043%); highest among the groups gnomAD compares: African/African-American, 0.0093%; no homozygotes.

Submissions (6):

GeneDx
Classification: Uncertain significance. Last evaluated: 2024-07-01. Review status: criteria provided, single submitter. Criteria: GeneDx Variant Classification Process June 2021. Collection method: clinical testing. Allele origin: germline. Affected: yes.
Comment: Not observed at significant frequency in large population cohorts (gnomAD); In silico analysis indicates that this missense variant does not alter protein structure/function; Has not been previously published as pathogenic or benign to our knowledge

Genome-Nilou Lab
Classification: Uncertain significance for Retinitis pigmentosa 39. Last evaluated: 2023-11-04. Review status: criteria provided, single submitter. Criteria: ACMG Guidelines, 2015. Collection method: clinical testing. Allele origin: germline. Affected: no.

Genome-Nilou Lab
Classification: Uncertain significance for Usher syndrome type 2A. Last evaluated: 2023-11-04. Review status: criteria provided, single submitter. Criteria: ACMG Guidelines, 2015. Collection method: clinical testing. Allele origin: germline. Affected: no.

Labcorp Genetics (formerly Invitae), Labcorp
Classification: Uncertain significance. Last evaluated: 2022-09-06. Review status: criteria provided, single submitter. Criteria: Invitae Variant Classification Sherloc (09022015). Collection method: clinical testing. Allele origin: germline.
Comment: This sequence change replaces methionine, which is neutral and non-polar, with valine, which is neutral and non-polar, at codon 5167 of the USH2A protein (p.Met5167Val). This variant is not present in population databases (gnomAD no frequency). This variant has not been reported in the literature in individuals affected with USH2A-related conditions. ClinVar contains an entry for this variant (Variation ID: 961793). Algorithms developed to predict the effect of missense changes on protein structure and function output the following: SIFT: "Tolerated"; PolyPhen-2: "Benign"; Align-GVGD: "Class C0". The valine amino acid residue is found in multiple mammalian species, which suggests that this missense change does not adversely affect protein function. In summary, the available evidence is currently insufficient to determine the role of this variant in disease. Therefore, it has been classified as a Variant of Uncertain Significance.

Blueprint Genetics
Classification: Uncertain significance. Last evaluated: 2022-03-11. Review status: criteria provided, single submitter. Criteria: ACMG Guidelines, 2015. Collection method: clinical testing. Allele origin: germline.

Natera, Inc.
Classification: Uncertain significance for Usher syndrome type 2A. Last evaluated: 2019-11-06. Review status: no assertion criteria provided. Collection method: clinical testing. Allele origin: germline. Not counted in ClinVar's aggregate classification.